The following is an entry in ClinVar:

ClinVar aggregate classification (germline): Pathogenic (1 of 4 stars; one submission).

Conditions:
Ataxia-telangiectasia syndrome (AT). Also called: Cerebello-oculocutaneous telangiectasia; Immunodeficiency with ataxia telangiectasia; Ataxia telangiectasia (A-T); Ataxia-telangiectasia, complementation group E; LOUIS-BAR SYNDROME; Ataxia-telangiectasia. Identifiers: Orphanet 100, MedGen C0004135, MONDO:0008840, OMIM 208900.

Submission:

Labcorp Genetics (formerly Invitae), Labcorp
Classification: Pathogenic for Ataxia-telangiectasia syndrome. Last evaluated: 2018-05-19. Review status: criteria provided, single submitter. Criteria: Invitae Variant Classification Sherloc (09022015). Collection method: clinical testing. Allele origin: germline.
Comment: This sequence change creates a premature translational stop signal (p.Ile326Metfs*20) in the ATM gene. It is expected to result in an absent or disrupted protein product. This variant is not present in population databases (ExAC no frequency). This variant has not been reported in the literature in individuals with ATM-related disease. Loss-of-function variants in ATM are known to be pathogenic (PMID: 23807571, 25614872). For these reasons, this variant has been classified as Pathogenic.

Literature cited by the submitters: PubMed 23807571; PubMed 25614872.

NM_000051.4(ATM):c.978del (p.Ile326fs)

Gene: ATM (ATM serine/threonine kinase; plus strand). Cytogenetic location: 11q22.3.
Variant type: Deletion.
Coding change: c.978del on transcript NM_000051.4 (MANE Select); coding-DNA position 978, one base deleted (A; older notation c.978delA).
Protein change: p.Ile326fs; shifts the reading frame from isoleucine 326.
Molecular consequence: frameshift variant.
Genome position (GRCh38, 1-based): chr11:108,247,040, A deleted. VCF-style (leftmost placement, unchanged base first): chr11-108247039-TA-T. GRCh37 (hg19) VCF-style: chr11-108117766-TA-T.
Other names: c.978delA (NM_000051.3); c.978del, p.Ile326fs (NM_001351834.2); short protein forms I326fs.
Identifiers: ClinVar variation 581124 (VCV000581124.6), dbSNP rs1565375308, ClinGen allele CA891842903.
Genomic context (GRCh38, chr11:108,247,039, plus strand): 5'-CAAAATGGAGAAGTATTTTATACAACTTATATGATCTGCTAGTGAATGAGATAAGTCATA[TA>T]GGAAGTAGAGGAAAGTATTCTTCAGGATTTCGTAATATTGCCGTCAAAGAAAATTTGATT-3'